The following is an entry in ClinVar:

ClinVar aggregate classification (germline): Conflicting classifications of pathogenicity. Review status: criteria provided, conflicting classifications (1 of 4 stars). 2 submissions from 2 submitters: Uncertain significance (1); Likely benign (1). Last evaluated 2025-11-18.

Conditions:
Tuberous sclerosis 1 (TSC1). Identifiers: Orphanet 805, MedGen C1854465, MONDO:0008612, OMIM 191100.
Hereditary cancer-predisposing syndrome. Also called: Hereditary Cancer Syndrome; Hereditary neoplastic syndrome; Neoplastic Syndromes, Hereditary; Tumor predisposition. Identifiers: Orphanet 140162, MedGen C0027672, MeSH D009386, MONDO:0015356.

gnomAD v4.1: 3 of 1,612,654 alleles (0.00019%); highest among the groups gnomAD compares: South Asian, 0.0033%; no homozygotes.

Submissions (2):

Labcorp Genetics (formerly Invitae), Labcorp
Classification: Likely benign for Tuberous sclerosis 1. Last evaluated: 2025-11-18. Review status: criteria provided, single submitter. Criteria: Invitae Variant Classification Sherloc (09022015). Collection method: clinical testing. Allele origin: germline.

Ambry Genetics
Classification: Uncertain significance for Hereditary cancer-predisposing syndrome. Last evaluated: 2024-09-23. Review status: criteria provided, single submitter. Criteria: Ambry Variant Classification Scheme 2023. Collection method: clinical testing. Allele origin: germline.
Comment: The p.Q573K variant (also known as c.1717C>A), located in coding exon 13 of the TSC1 gene, results from a C to A substitution at nucleotide position 1717. The glutamine at codon 573 is replaced by lysine, an amino acid with similar properties. This amino acid position is conserved. In addition, the in silico prediction for this alteration is inconclusive. Based on the available evidence, the clinical significance of this variant remains unclear.

NM_000368.5(TSC1):c.1717C>A (p.Gln573Lys)

Gene: TSC1 (TSC complex subunit 1; minus strand). Cytogenetic location: 9q34.13.
Variant type: single nucleotide variant.
Coding change: c.1717C>A on transcript NM_000368.5 (MANE Select); coding-DNA position 1717, C replaced by A.
Protein change: p.Gln573Lys; replaces glutamine 573 with lysine.
Molecular consequence: missense variant. On other transcripts: non-coding transcript variant (5).
Genome position (GRCh38, 1-based): chr9:132,905,861, G>T on the plus strand (C>A on the coding strand, the complement: TSC1 is on the minus strand). VCF-style: chr9-132905861-G-T. GRCh37 (hg19) VCF-style: chr9-135781248-G-T.
Other names: c.1714C>A, p.Gln572Lys (NM_001162426.2, NM_001406608.1, NM_001406609.1 and 6 more transcripts); c.1564C>A, p.Gln522Lys (NM_001162427.2, NM_001406610.1); c.1354C>A, p.Gln452Lys (NM_001362177.2, NM_001406614.1, NM_001406615.1 and 5 more transcripts); c.1717C>A, p.Gln573Lys (NM_001406592.1, NM_001406593.1, NM_001406594.1 and 7 more transcripts); c.1561C>A, p.Gln521Lys (NM_001406611.1, NM_001406612.1, NM_001406613.1); c.766C>A, p.Gln256Lys (NM_001406626.1); c.763C>A, p.Gln255Lys (NM_001406627.1, NM_001406628.1); c.664C>A, p.Gln222Lys (NM_001406629.1, NM_001406630.1); and 1 more; short protein forms Q572K, Q255K, Q452K, Q521K, Q573K, Q451K, Q222K, Q256K.
Identifiers: ClinVar variation 3462475 (VCV003462475.2).